The following is an entry in ClinVar:

ClinVar aggregate classification (germline): Pathogenic (1 of 4 stars; one submission).

Submission:

Labcorp Genetics (formerly Invitae), Labcorp
Classification: Pathogenic. Last evaluated: 2021-02-14. Review status: criteria provided, single submitter. Criteria: Invitae Variant Classification Sherloc (09022015). Collection method: clinical testing. Allele origin: germline.
Comment: This sequence change creates a premature translational stop signal (p.Gly510Alafs*16) in the XPC gene. It is expected to result in an absent or disrupted protein product. Loss-of-function variants in XPC are known to be pathogenic (PMID: 23173980, 25256075). For these reasons, this variant has been classified as Pathogenic. This variant has not been reported in the literature in individuals with XPC-related conditions. This variant is not present in population databases (ExAC no frequency).

Literature cited by the submitters: PubMed 23173980; PubMed 25256075.

NM_004628.5(XPC):c.1527del (p.Gly510fs)

Gene: XPC (XPC complex subunit, DNA damage recognition and repair factor; minus strand). Cytogenetic location: 3p25.1.
Variant type: Deletion.
Coding change: c.1527del on transcript NM_004628.5 (MANE Select); coding-DNA position 1527, one base deleted (A; older notation c.1527delA).
Protein change: p.Gly510fs; shifts the reading frame from glycine 510.
Molecular consequence: frameshift variant. On other transcripts: non-coding transcript variant (2).
Genome position (GRCh38, 1-based): chr3:14,158,356, T deleted on the plus strand (A on the coding strand, the reverse complement: XPC is on the minus strand). VCF-style (leftmost placement, unchanged base first): chr3-14158355-CT-C. GRCh37 (hg19) VCF-style: chr3-14199855-CT-C.
Other names: c.948del, p.Gly317fs (NM_001354726.2); c.1527del, p.Gly510fs (NM_001354727.2, NM_001354730.2); c.1509del, p.Gly504fs (NM_001354729.2); short protein forms G510fs, G317fs, G504fs.
Identifiers: ClinVar variation 1366319 (VCV001366319.6), dbSNP rs2125025310, ClinGen allele CA2573136058.